The following is an entry in ClinVar:

NM_000492.4(CFTR):c.3918C>G (p.Pro1306=)

Gene: CFTR (CF transmembrane conductance regulator; plus strand). Cytogenetic location: 7q31.2.
Variant type: single nucleotide variant.
Coding change: c.3918C>G on transcript NM_000492.4 (MANE Select); coding-DNA position 3918, C replaced by G.
Protein change: p.Pro1306=; no amino-acid change (proline 1306 retained).
Molecular consequence: synonymous variant.
Genome position (GRCh38, 1-based): chr7:117,652,886, C>G. VCF-style: chr7-117652886-C-G. GRCh37 (hg19) VCF-style: chr7-117292940-C-G.
Identifiers: ClinVar variation 700030 (VCV000700030.14), dbSNP rs1800132, ClinGen allele CA4451583.
Genomic context (GRCh38, chr7:117,652,886, plus strand): 5'-TTCTTTTTTGCTATAGAAAGTATTTATTTTTTCTGGAACATTTAGAAAAAACTTGGATCC[C>G]TATGAACAGTGGAGTGATCAAGAAATATGGAAAGTTGCAGATGAGGTAAGGCTGCTAACT-3'
Protein context (NP_000483.3, residues 1296-1316): FSGTFRKNLD[Pro1306=]YEQWSDQEIW

ClinVar aggregate classification (germline): Benign/Likely benign. Review status: criteria provided, multiple submitters, no conflicts (2 of 4 stars). 3 submissions from 3 submitters: Benign (1); Likely benign (1). 1 of the submissions does not count toward it. Last evaluated 2026-02-04.

Conditions:
Cystic fibrosis (CF). Also called: MUCOVISCIDOSIS. Identifiers: Orphanet 586, MedGen C0010674, MONDO:0009061, OMIM 219700. Disease mechanism: loss of function.
CFTR-related disorder (CFTR-RD). Also called: CFTR-related condition; CFTR-related disorders. Identifiers: MedGen C5924204, MONDO:7770004.

Allele frequency attached by ClinVar (database versions not stated): gnomAD exomes 0.00002; TOPMed 0.00003; ExAC 0.00002.

Submissions (3):

Labcorp Genetics (formerly Invitae), Labcorp
Classification: Benign for Cystic fibrosis. Last evaluated: 2026-02-04. Review status: criteria provided, single submitter. Criteria: Invitae Variant Classification Sherloc (09022015). Collection method: clinical testing. Allele origin: germline.

Ambry Genetics
Classification: Likely benign for Cystic fibrosis. Last evaluated: 2021-02-05. Review status: criteria provided, single submitter. Criteria: Ambry Variant Classification Scheme 2023. Collection method: clinical testing. Allele origin: germline.

PreventionGenetics, part of Exact Sciences
Classification: Likely benign for CFTR-related condition. Last evaluated: 2019-06-17. Review status: no assertion criteria provided. Collection method: clinical testing. Allele origin: germline. Not counted in ClinVar's aggregate classification.
Comment: This variant is classified as likely benign based on ACMG/AMP sequence variant interpretation guidelines (Richards et al. 2015 PMID: 25741868, with internal and published modifications).